The following is an entry in ClinVar:

ClinVar aggregate classification (germline): Uncertain significance (1 of 4 stars; one submission).

Conditions:
Ehlers-Danlos syndrome, classic type, 1 (EDSCL1). Also called: Ehlers-Danlos Syndrome, Classic Type, COL5A1-Related; EHLERS-DANLOS SYNDROME, GRAVIS TYPE; EHLERS-DANLOS SYNDROME, SEVERE CLASSIC TYPE; Ehlers-Danlos syndrome, type 1; EDS I. Identifiers: MedGen C0268335, MONDO:0019567, OMIM 130000.

Allele frequency attached by ClinVar (database versions not stated): TOPMed below 0.00001; gnomAD exomes 0.00001.
gnomAD v4.1: 9 of 1,614,134 alleles (0.00056%); highest among the groups gnomAD compares: African/African-American, 0.0053%; no homozygotes.

Submission:

Labcorp Genetics (formerly Invitae), Labcorp
Classification: Uncertain significance for Ehlers-Danlos syndrome, classic type, 1. Last evaluated: 2022-01-17. Review status: criteria provided, single submitter. Criteria: Invitae Variant Classification Sherloc (09022015). Collection method: clinical testing. Allele origin: germline.
Comment: In summary, the available evidence is currently insufficient to determine the role of this variant in disease. Therefore, it has been classified as a Variant of Uncertain Significance. Advanced modeling of protein sequence and biophysical properties (such as structural, functional, and spatial information, amino acid conservation, physicochemical variation, residue mobility, and thermodynamic stability) performed at Invitae indicates that this missense variant is not expected to disrupt COL5A2 protein function. This variant has not been reported in the literature in individuals affected with COL5A2-related conditions. This variant is not present in population databases (gnomAD no frequency). This sequence change replaces proline, which is neutral and non-polar, with leucine, which is neutral and non-polar, at codon 514 of the COL5A2 protein (p.Pro514Leu).

NM_000393.5(COL5A2):c.1541C>T (p.Pro514Leu)

Gene: COL5A2 (collagen type V alpha 2 chain; minus strand). Cytogenetic location: 2q32.2.
Variant type: single nucleotide variant.
Coding change: c.1541C>T on transcript NM_000393.5 (MANE Select); coding-DNA position 1541, C replaced by T.
Protein change: p.Pro514Leu; replaces proline 514 with leucine.
Molecular consequence: missense variant.
Genome position (GRCh38, 1-based): chr2:189,066,412, G>A on the plus strand (C>T on the coding strand, the complement: COL5A2 is on the minus strand). VCF-style: chr2-189066412-G-A. GRCh37 (hg19) VCF-style: chr2-189931138-G-A.
Other names: short protein forms P514L.
Identifiers: ClinVar variation 2154238 (VCV002154238.4), dbSNP rs1686149079, ClinGen allele CA349851172.